The following is an entry in ClinVar:

ClinVar aggregate classification (germline): Conflicting classifications of pathogenicity. Review status: criteria provided, conflicting classifications (1 of 4 stars). 3 submissions from 3 submitters: Uncertain significance (1); Likely benign (1). 1 of the submissions does not count toward it. Last evaluated 2025-12-06.

Conditions:
VPS33B-related disorder. Also called: VPS33B-related condition.
Arthrogryposis, renal dysfunction, and cholestasis 1 (ARCS1). Identifiers: Orphanet 2697, MedGen C1859722, MONDO:0008822, OMIM 208085.

Allele frequency attached by ClinVar (database versions not stated): gnomAD exomes 0.00002 and 0.00003; ExAC 0.00003; ESP Exome Variant Server 0.00008; gnomAD 0.00011 and 0.00013; 1000 Genomes Project 30x 0.00016; 1000 Genomes Project 0.00020; TOPMed 0.00029.
gnomAD v4.1: 40 of 1,614,204 alleles (0.0025%); highest among the groups gnomAD compares: Admixed American, 0.043%; no homozygotes.

Submissions (3):

Labcorp Genetics (formerly Invitae), Labcorp
Classification: Likely benign. Last evaluated: 2025-12-06. Review status: criteria provided, single submitter. Criteria: Invitae Variant Classification Sherloc (09022015). Collection method: clinical testing. Allele origin: germline.

Illumina Laboratory Services, Illumina
Classification: Uncertain significance for Arthrogryposis, renal dysfunction, and cholestasis 1. Last evaluated: 2018-01-13. Review status: criteria provided, single submitter. Criteria: ICSL Variant Classification Criteria 13 December 2019. Collection method: clinical testing. Allele origin: germline.

PreventionGenetics, part of Exact Sciences
Classification: Likely benign for VPS33B-related condition. Last evaluated: 2022-11-02. Review status: no assertion criteria provided. Collection method: clinical testing. Allele origin: germline. Not counted in ClinVar's aggregate classification.
Comment: This variant is classified as likely benign based on ACMG/AMP sequence variant interpretation guidelines (Richards et al. 2015 PMID: 25741868, with internal and published modifications).

NM_018668.5(VPS33B):c.1171-6A>G

Gene: VPS33B (VPS33B late endosome and lysosome associated; minus strand). Cytogenetic location: 15q26.1.
Variant type: single nucleotide variant.
Coding change: c.1171-6A>G on transcript NM_018668.5 (MANE Select); 6 bases into the intron before coding-DNA position 1171, A replaced by G.
Molecular consequence: intron variant.
Genome position (GRCh38, 1-based): chr15:91,004,937, T>C on the plus strand (A>G on the coding strand, the complement: VPS33B is on the minus strand). VCF-style: chr15-91004937-T-C. GRCh37 (hg19) VCF-style: chr15-91548167-T-C.
Other names: c.1090-6A>G (NM_001289148.1); c.898-6A>G (NM_001289149.1).
Identifiers: ClinVar variation 758648 (VCV000758648.13), dbSNP rs370691219, ClinGen allele CA7744751.